The following is an entry in ClinVar:

ClinVar aggregate classification (germline): Pathogenic/Likely pathogenic. Review status: criteria provided, multiple submitters, no conflicts (2 of 4 stars). 16 submissions from 16 submitters: Pathogenic (14); Likely pathogenic (1). 1 of the submissions does not count toward it. Last evaluated 2026-05-06.

Conditions:
Cystic renal disease.
Autosomal dominant polycystic kidney disease. Identifiers: Orphanet 730, MedGen C0085413, MONDO:0004691.
Polycystic kidney disease, adult type (PKD1). Also called: Polycystic Kidney Disease 1, Autosomal Dominant; Polycystic kidney disease 1; Polycystic kidney disease 1, severe; Polycystic Kidney, Autosomal Dominant; POLYCYSTIC KIDNEY DISEASE 1 WITH OR WITHOUT POLYCYSTIC LIVER DISEASE; POLYCYSTIC KIDNEY DISEASE, ADULT, TYPE I. Identifiers: MedGen C3149841, MONDO:0008263, OMIM 173900.
PKD1-related disorder. Also called: PKD1-related condition.

Submissions (16):

Victorian Clinical Genetics Services, Murdoch Childrens Research Institute
Classification: Pathogenic for Polycystic kidney disease, adult type. Last evaluated: 2026-05-06. Review status: criteria provided, single submitter. Criteria: ACMG Guidelines, 2015. Collection method: clinical testing. Allele origin: germline. Affected: yes.
Comment: This variant is classified as Pathogenic. Evidence in support of pathogenic classification: Intronic variant proven to affect splicing of the transcript with a known effect on protein structure. RT-PCR demonstrated inclusion of part of the intronic region, causing a frameshift which introduced a premature termination codon 30 amino acids downstream of position 3390 (PMID: 9199561); Variant is present in gnomAD <0.001 for a dominant condition (v4: 2 heterozygote(s), 0 homozygote(s)); This variant has strong previous evidence of pathogenicity in unrelated individuals. This variant has been classified as pathogenic/likely pathogenic by clinical laboratories in ClinVar, and reported in the literature in individuals with polycystic kidney disease (PKD database, PMIDs: 9199561, 22008521); Other NMD-predicted variant(s) comparable to the one identified in this case have very strong previous evidence for pathogenicity (DECIPHER). Additional information: This variant is heterozygous; This gene is associated with autosomal dominant disease. Polycystic kidney disease 1 (MIM#173900) is predominantly caused by monoallelic variants, with rare reports of biallelic variants causing disease (OMIM); Loss of function is a known mechanism of disease in this gene and is associated with polycystic kidney disease 1 (MIM#173900); Inheritance information for this variant is not currently available in this individual.

PreventionGenetics, part of Exact Sciences
Classification: Pathogenic for PKD1-related condition. Last evaluated: 2026-02-24. Review status: criteria provided, single submitter. Criteria: ACMG Guidelines, 2015. Collection method: clinical testing. Allele origin: germline.
Comment: The PKD1 c.10167+25_10167+43del19 variant is predicted to result in an intronic deletion. This variant has been reported to be causative for autosomal dominant polycystic kidney disease (ADPKD) due to aberrant splicing (see for example, reported as IVS31+25del19 in Peral et al. 1997. PubMed ID: 9199561; reported as c.10167+24del19 in Bataille et al. 2011. PubMed ID: 22008521; Saglia et al. 2023. PubMed ID: 38012624). This variant has not been reported in a large population database (gnomAD), indicating this variant is rare. This variant is interpreted as pathogenic.

Medical and Scientific Branch, Hong Kong Genome Institute
Classification: Pathogenic for Polycystic kidney disease, adult type. Last evaluated: 2026-01-26. Review status: criteria provided, single submitter. Criteria: ACMG Guidelines, 2015. Collection method: clinical testing. Allele origin: maternal. Affected: yes.

Genetics Laboratory, Great Ormond Street Hospital NHS Foundation Trust, North Thames Genomic Laboratory Hub
Classification: Pathogenic for Cystic renal disease. Last evaluated: 2026-01-24. Review status: criteria provided, single submitter. Criteria: ACGS Best Practice Guidelines for Variant Classification in Rare Disease 2024 v1.2. Collection method: clinical testing. Allele origin: germline. Affected: yes.
Comment: PS4_moderate, PM2_moderate, PVS1_strong, PM6_moderate, PP4_supporting

3billion
Classification: Pathogenic for Polycystic kidney disease, adult type. Last evaluated: 2025-11-25. Review status: criteria provided, single submitter. Criteria: ACMG Guidelines, 2015. Collection method: clinical testing. Allele origin: germline. Affected: yes.
Comment: The variant is observed at an extremely low frequency in the gnomAD v4.1.0 dataset (total allele frequency: <0.001%). Predicted Consequence/Location: Intron variant Functional studies provide moderate evidence of the variant having a damaging effect on the gene or gene product (PMID: 9199561). In silico tools predict the variant to alter splicing and produce an abnormal transcript [SpliceAI: 0.67 (>=0.2, moderate evidence for spliceogenicity)]. The variant has been observed in at least two similarly affected unrelated individuals (PMID: 22008521, 9199561). The variant has been previously reported as assumed (i.e. paternity and maternity not confirmed) de novo in at least two similarly affected unrelated individuals (PMID: 9199561). The variant has been reported at least twice as pathogenic with clinical assertions and evidence for the classification (ClinVar ID: VCV000586238 /PMID: 9199561 /3billion dataset). Therefore, this variant is classified as Pathogenic according to the recommendation of ACMG/AMP guideline.

Mayo Clinic Laboratories, Mayo Clinic
Classification: Pathogenic. Last evaluated: 2025-04-25. Review status: criteria provided, single submitter. Criteria: ACMG Guidelines, 2015. Collection method: clinical testing. Allele origin: germline. Observed: 2 variant alleles.
Comment: PP1, PP3, PM2_supporting, PS2, PS3_moderate, PS4_supporting

Women's Health and Genetics/Laboratory Corporation of America, LabCorp
Classification: Pathogenic for Polycystic kidney disease, adult type. Last evaluated: 2025-03-14. Review status: criteria provided, single submitter. Criteria: LabCorp Variant Classification Summary - May 2015. Collection method: clinical testing. Allele origin: germline.
Comment: Variant summary: PKD1 c.10167+25_10167+43del19 is located at a position not widely known to affect splicing. Consensus agreement among computation tools predict no significant impact on normal splicing. At least one publication reports experimental evidence that this variant affects mRNA splicing causing a 71- bp frameshift (Peral_1997). The variant was absent in 249822 control chromosomes. c.10167+25_10167+43del19 has been reported in the literature in heterozygous individuals affected with Polycystic Kidney Disease 1 and in at-least one family the variant segregated with the disease (examples: Peral_1997, Bataille_2011, Saglia_2023). These data indicate that the variant is likely to be associated with disease. The following publications have been ascertained in the context of this evaluation (PMID: 22008521, 9199561, 38012624). ClinVar contains an entry for this variant (Variation ID: 586238). Based on the evidence outlined above, the variant was classified as pathogenic.

Institute of Immunology and Genetics Kaiserslautern
Classification: Pathogenic for Polycystic kidney disease, adult type. Last evaluated: 2024-11-15. Review status: criteria provided, single submitter. Criteria: ACMG Guidelines, 2015. Collection method: clinical testing. Allele origin: germline. Affected: yes.
Comment: ACMG Criteria: PVS1, PM2_P, PP1, PP4, PP5; Variant was found in heterozygous state

Blueprint Genetics
Classification: Pathogenic for PKD1-related disorders. Last evaluated: 2024-04-04. Review status: criteria provided, single submitter. Criteria: ACMG Guidelines, 2015. Collection method: clinical testing. Allele origin: germline. Affected: yes. Observed: 5 variant alleles.

GeneDx
Classification: Pathogenic. Last evaluated: 2023-01-18. Review status: criteria provided, single submitter. Criteria: GeneDx Variant Classification Process June 2021. Collection method: clinical testing. Allele origin: germline. Affected: yes.
Comment: Non-canonical splice site variant demonstrated to result in loss-of-function (Peral et al., 1997); Not observed at significant frequency in large population cohorts (gnomAD); This variant is associated with the following publications: (PMID: 9199561, 22508176, 22008521, 22383692)

Molecular Genetics of Inherited Kidney Disorders Laboratory, Garvan Institute of Medical Research
Classification: Likely pathogenic for Autosomal dominant polycystic kidney disease. Last evaluated: 2022-11-20. Review status: criteria provided, single submitter. Criteria: ACMG Guidelines, 2015. Collection method: research. Allele origin: germline. Affected: yes.

Greenwood Genetic Center Diagnostic Laboratories, Greenwood Genetic Center
Classification: Pathogenic for Polycystic kidney disease, adult type. Last evaluated: 2022-05-12. Review status: criteria provided, single submitter. Criteria: ACMG Guidelines, 2015. Collection method: clinical testing. Allele origin: germline. Affected: yes.
Comment: PS4_Moderate, PM2, PS3_Very Strong

Department of Pathology and Laboratory Medicine, Sinai Health System
Classification: Pathogenic for Polycystic kidney disease, adult type. Last evaluated: 2020-04-16. Review status: criteria provided, single submitter. Criteria: ACMG Guidelines, 2015. Collection method: clinical testing. Allele origin: germline.

Athena Diagnostics
Classification: Pathogenic. Last evaluated: 2018-08-22. Review status: criteria provided, single submitter. Criteria: Athena Diagnostics Criteria. Collection method: clinical testing. Allele origin: germline.
Comment: Not found in the total gnomAD dataset, and the data is high quality (0/276184 chr). Found in at least one symptomatic patient. Not predicted to affect natural splicing. Damaging to protein function(s) relevant to disease mechanism. Two de novo cases without parental identity confirmed.

Juno Genomics, Hangzhou Juno Genomics, Inc
Classification: Pathogenic for Polycystic kidney disease, adult type. Review status: criteria provided, single submitter. Criteria: ACMG Guidelines, 2015. Collection method: clinical testing. Allele origin: germline. Affected: yes.
Comment: Absent from controls (or at extremely low frequency if recessive) in Genome Aggregation Database.;Null variant in a gene where loss of function (LOF) is a known mechanism of disease.;The prevalence of the variant in affected individuals is significantly increased compared to the prevalence in controls.;De novo (both maternity and paternity confirmed) in a patient with the disease and no family history.;Patient's phenotype or family history is highly specific for a disease with a single genetic etiology.

Genetic Services Laboratory, University of Chicago
Classification: Pathogenic. Last evaluated: 2022-11-30. Review status: no assertion criteria provided. Collection method: clinical testing. Allele origin: germline. Affected: yes. Not counted in ClinVar's aggregate classification.
Comment: DNA sequence analysis of the PKD1 gene demonstrated a 19 base pair deletion in intron 31, c.10167+25_10167+43del. The c.10167+25_10167+43del sequence change has not been described in population databases such as ExAC and gnomAD (dbSNP rs1197421698). This pathogenic sequence change has previously been described in individuals with polycystic kidney disease (PMID: 9199561, 22008521, 22508176, 22383692). Analysis of this variant demonstrated aberrant splicing and the inclusion of a deleted intron which results in an amino acid frameshift that creates a premature stop codon 30 amino acids downstream of position 3390 (PMID: 9199561). Based on these collective evidences, this sequence change is classified as pathogenic.

Literature cited by the submitters: PubMed 22008521 (cited by 6 submitters); PubMed 9199561 (cited by 6 submitters); PubMed 37419908 (cited by Mayo Clinic Laboratories, Mayo Clinic); PubMed 38012624 (cited by Mayo Clinic Laboratories, Mayo Clinic and Women's Health and Genetics/Laboratory Corporation of America, LabCorp); PubMed 22508176 (cited by Department of Pathology and Laboratory Medicine, Sinai Health System); PubMed 10854095 (cited by Department of Pathology and Laboratory Medicine, Sinai Health System); PubMed 22383692 (cited by Department of Pathology and Laboratory Medicine, Sinai Health System); PubMed 18791038 (cited by Department of Pathology and Laboratory Medicine, Sinai Health System); PubMed 19158373 (cited by Department of Pathology and Laboratory Medicine, Sinai Health System).

NM_001009944.3(PKD1):c.10167+25_10167+43del

Gene: PKD1 (polycystin 1, transient receptor potential channel interacting; minus strand). Cytogenetic location: 16p13.3.
Variant type: Deletion.
Coding change: c.10167+25_10167+43del on transcript NM_001009944.3 (MANE Select); bases 25 to 43 of the intron after coding-DNA position 10167, 19 bases deleted (GGCTGGGCTGGGGGTCCTG).
Molecular consequence: intron variant.
Genome position (GRCh38, 1-based): chr16:2,097,825-2,097,843, CAGGACCCCCAGCCCAGCC deleted on the plus strand (GGCTGGGCTGGGGGTCCTG on the coding strand, the reverse complement: PKD1 is on the minus strand); deleting any 19 consecutive bases within chr16:2,097,825-2,097,855 gives the same sequence; the c. name uses the placement nearest the transcript's 3' end. VCF-style (leftmost placement, unchanged base first): chr16-2097824-GCAGGACCCCCAGCCCAGCC-G. GRCh37 (hg19) VCF-style: chr16-2147825-GCAGGACCCCCAGCCCAGCC-G.
Other names: p.?; c.10167+25_10167+43del (NM_000296.4); c.10167+25_10167+43del19 (NM_001009944.2, NM_001009944.3).
Identifiers: ClinVar variation 586238 (VCV000586238.47), dbSNP rs1197421698, ClinGen allele CA718972063.